The following is an entry in ClinVar:

ClinVar aggregate classification (germline): Uncertain significance. Review status: criteria provided, multiple submitters, no conflicts (2 of 4 stars). 7 submissions from 6 submitters: Uncertain significance (6). 1 of the submissions does not count toward it. Last evaluated 2026-09-01.

Conditions:
Retinitis pigmentosa 39 (RP39). Identifiers: Orphanet 791, MedGen C3151138, MONDO:0013436, OMIM 613809.
Usher syndrome type 2A. Also called: USHER SYNDROME, TYPE IIA; RETINAL DISEASE IN USHER SYNDROME TYPE IIA, MODIFIER OF. Identifiers: Orphanet 231178, Orphanet 886, MedGen C1848634, MONDO:0010169, OMIM 276901.
USH2A-related disorder. Also called: USH2A-related condition; USH2A-related disorders. Identifiers: MedGen CN239332.

Allele frequency attached by ClinVar (database versions not stated): ExAC 0.00002; gnomAD 0.00002; gnomAD exomes 0.00002 and 0.00007; TOPMed 0.00002; ESP Exome Variant Server 0.00008.
gnomAD v4.1: 107 of 1,613,798 alleles (0.0066%); highest among the groups gnomAD compares: Non-Finnish European, 0.0088%; no homozygotes.

Submissions (7):

PreventionGenetics, part of Exact Sciences
Classification: Uncertain significance for USH2A-related condition. Last evaluated: 2026-09-01. Review status: criteria provided, single submitter. Criteria: ACMG Guidelines, 2015. Collection method: clinical testing. Allele origin: germline.
Comment: The USH2A c.10633C>T variant is predicted to result in the amino acid substitution p.Arg3545Trp. To our knowledge, this variant has not been reported in the literature. An alternate substitution of the same amino acid (p.Arg3545Gln) has been reported in a study of individuals with retinitis pigmentosa (Xu et al. 2014. PubMed ID: 24938718). This variant is reported in 0.0044% of alleles in individuals of European (Non-Finnish) descent in gnomAD. At this time, the clinical significance of this variant is uncertain due to the absence of conclusive functional and genetic evidence.

GeneDx
Classification: Uncertain significance. Last evaluated: 2025-06-26. Review status: criteria provided, single submitter. Criteria: GeneDx Variant Classification Process June 2021. Collection method: clinical testing. Allele origin: germline. Affected: yes.
Comment: Not observed at significant frequency in large population cohorts (gnomAD); In silico analysis supports that this missense variant has a deleterious effect on protein structure/function; Has not been previously published as pathogenic or benign to our knowledge

Genome-Nilou Lab
Classification: Uncertain significance for Retinitis pigmentosa 39. Last evaluated: 2023-11-04. Review status: criteria provided, single submitter. Criteria: ACMG Guidelines, 2015. Collection method: clinical testing. Allele origin: germline. Affected: no.

Genome-Nilou Lab
Classification: Uncertain significance for Usher syndrome type 2A. Last evaluated: 2023-11-04. Review status: criteria provided, single submitter. Criteria: ACMG Guidelines, 2015. Collection method: clinical testing. Allele origin: germline. Affected: no.

Blueprint Genetics
Classification: Uncertain significance. Last evaluated: 2022-11-01. Review status: criteria provided, single submitter. Criteria: ACMG Guidelines, 2015. Collection method: clinical testing. Allele origin: germline.

Labcorp Genetics (formerly Invitae), Labcorp
Classification: Uncertain significance. Last evaluated: 2022-04-15. Review status: criteria provided, single submitter. Criteria: Invitae Variant Classification Sherloc (09022015). Collection method: clinical testing. Allele origin: germline.
Comment: This sequence change replaces arginine, which is basic and polar, with tryptophan, which is neutral and slightly polar, at codon 3545 of the USH2A protein (p.Arg3545Trp). This variant is present in population databases (rs145718329, gnomAD 0.004%). This variant has not been reported in the literature in individuals affected with USH2A-related conditions. ClinVar contains an entry for this variant (Variation ID: 839207). Algorithms developed to predict the effect of missense changes on protein structure and function (SIFT, PolyPhen-2, Align-GVGD) all suggest that this variant is likely to be disruptive. In summary, the available evidence is currently insufficient to determine the role of this variant in disease. Therefore, it has been classified as a Variant of Uncertain Significance.

Natera, Inc.
Classification: Uncertain significance for Usher syndrome type 2A. Last evaluated: 2019-11-06. Review status: no assertion criteria provided. Collection method: clinical testing. Allele origin: germline. Not counted in ClinVar's aggregate classification.

NM_206933.4(USH2A):c.10633C>T (p.Arg3545Trp)

Gene: USH2A (usherin; minus strand). Cytogenetic location: 1q41.
Variant type: single nucleotide variant.
Coding change: c.10633C>T on transcript NM_206933.4 (MANE Select); coding-DNA position 10633, C replaced by T.
Protein change: p.Arg3545Trp; replaces arginine 3545 with tryptophan.
Molecular consequence: missense variant.
Genome position (GRCh38, 1-based): chr1:215,782,149, G>A on the plus strand (C>T on the coding strand, the complement: USH2A is on the minus strand). VCF-style: chr1-215782149-G-A. GRCh37 (hg19) VCF-style: chr1-215955491-G-A.
Other names: short protein forms R3545W.
Identifiers: ClinVar variation 839207 (VCV000839207.10), dbSNP rs145718329, ClinGen allele CA1393966.